The following is an entry in ClinVar:

ClinVar aggregate classification (germline): Uncertain significance (1 of 4 stars; one submission).

Conditions:
Hereditary cancer-predisposing syndrome. Also called: Neoplastic Syndromes, Hereditary; Tumor predisposition; Hereditary Cancer Syndrome; Hereditary neoplastic syndrome. Identifiers: Orphanet 140162, MedGen C0027672, MeSH D009386, MONDO:0015356.

Submission:

Ambry Genetics
Classification: Uncertain significance for Hereditary cancer-predisposing syndrome. Last evaluated: 2021-10-04. Review status: criteria provided, single submitter. Criteria: Ambry Variant Classification Scheme 2023. Collection method: clinical testing. Allele origin: germline.
Comment: The p.T98I variant (also known as c.293C>T), located in coding exon 3 of the NBN gene, results from a C to T substitution at nucleotide position 293. The threonine at codon 98 is replaced by isoleucine, an amino acid with similar properties. This amino acid position is well conserved in available vertebrate species. In addition, the in silico prediction for this alteration is inconclusive. Since supporting evidence is limited at this time, the clinical significance of this alteration remains unclear.

NM_002485.5(NBN):c.293C>T (p.Thr98Ile)

Gene: NBN (nibrin; minus strand). Cytogenetic location: 8q21.3.
Variant type: single nucleotide variant.
Coding change: c.293C>T on transcript NM_002485.5 (MANE Select); coding-DNA position 293, C replaced by T.
Protein change: p.Thr98Ile; replaces threonine 98 with isoleucine.
Molecular consequence: missense variant.
Genome position (GRCh38, 1-based): chr8:89,981,402, G>A on the plus strand (C>T on the coding strand, the complement: NBN is on the minus strand). VCF-style: chr8-89981402-G-A. GRCh37 (hg19) VCF-style: chr8-90993630-G-A.
Other names: c.47C>T, p.Thr16Ile (NM_001024688.3); short protein forms T16I, T98I.
Identifiers: ClinVar variation 1797900 (VCV001797900.2), dbSNP rs2488360149, ClinGen allele CA371662359.